The following is an entry in ClinVar:

NM_004360.5(CDH1):c.1878C>G (p.Phe626Leu)

Gene: CDH1 (cadherin 1; plus strand). Cytogenetic location: 16q22.1.
Variant type: single nucleotide variant.
Coding change: c.1878C>G on transcript NM_004360.5 (MANE Select); coding-DNA position 1878, C replaced by G.
Protein change: p.Phe626Leu; replaces phenylalanine 626 with leucine.
Molecular consequence: missense variant. On other transcripts: 5 prime UTR variant (1).
Genome position (GRCh38, 1-based): chr16:68,822,167, C>G. VCF-style: chr16-68822167-C-G. GRCh37 (hg19) VCF-style: chr16-68856070-C-G.
Other names: c.1695C>G, p.Phe565Leu (NM_001317184.2); c.330C>G, p.Phe110Leu (NM_001317185.2); c.-88C>G (NM_001317186.2); short protein forms F110L, F626L, F565L.
Identifiers: ClinVar variation 820245 (VCV000820245.4), dbSNP rs1596963754, ClinGen allele CA396467112.

ClinVar aggregate classification (germline): Uncertain significance (1 of 4 stars; one submission).

Conditions:
Hereditary cancer-predisposing syndrome. Also called: Neoplastic Syndromes, Hereditary; Tumor predisposition; Hereditary Cancer Syndrome; Hereditary neoplastic syndrome. Identifiers: Orphanet 140162, MedGen C0027672, MeSH D009386, MONDO:0015356.

Submission:

Ambry Genetics
Classification: Uncertain significance for Hereditary cancer-predisposing syndrome. Last evaluated: 2019-12-09. Review status: criteria provided, single submitter. Criteria: Ambry Variant Classification Scheme 2023. Collection method: clinical testing. Allele origin: germline.
Comment: The p.F626L variant (also known as c.1878C>G), located in coding exon 12 of the CDH1 gene, results from a C to G substitution at nucleotide position 1878. The phenylalanine at codon 626 is replaced by leucine, an amino acid with highly similar properties. This amino acid position is not well conserved in available vertebrate species. In addition, this alteration is predicted to be tolerated by in silico analysis. Since supporting evidence is limited at this time, the clinical significance of this alteration remains unclear.